The following is an entry in ClinVar:

NM_000548.5(TSC2):c.5C>T (p.Ala2Val)

Gene: TSC2 (TSC complex subunit 2; plus strand). Cytogenetic location: 16p13.3.
Variant type: single nucleotide variant.
Coding change: c.5C>T on transcript NM_000548.5 (MANE Select); coding-DNA position 5, C replaced by T.
Protein change: p.Ala2Val; replaces alanine 2 with valine.
Molecular consequence: missense variant. On other transcripts: 5 prime UTR variant (1), intron variant (1).
Genome position (GRCh38, 1-based): chr16:2,048,620, C>T. VCF-style: chr16-2048620-C-T. GRCh37 (hg19) VCF-style: chr16-2098621-C-T.
Other names: c.5C>T, p.Ala2Val (NM_001077183.3, NM_001114382.3, NM_001318827.2 and 4 more transcripts); c.-222C>T (NM_001318831.2); c.38C>T, p.Ala13Val (NM_001318832.2); c.-10+555C>T (NM_001318829.2); short protein forms A13V, A2V.
Identifiers: ClinVar variation 852633 (VCV000852633.11), dbSNP rs2084668501, ClinGen allele CA394300446.
Genomic context (GRCh38, chr16:2,048,620, plus strand): 5'-GTCCCCATTCCTGTTTCGTTTGCACAGAGGGGTTTTCTGGTGCGTCCTGGTCCACCATGG[C>T]CAAACCAACAAGCAAAGATTCAGGCTTGAAGGAGAAGTTTAAGATTCTGTTGGGACTGGG-3'
Protein context (NP_000539.2, residues 1-12): M[Ala2Val]KPTSKDSGLK

ClinVar aggregate classification (germline): Uncertain significance. Review status: criteria provided, multiple submitters, no conflicts (2 of 4 stars). 2 submissions from 2 submitters: Uncertain significance (2). Last evaluated 2025-10-02.

Conditions:
Hereditary cancer-predisposing syndrome. Also called: Neoplastic Syndromes, Hereditary; Hereditary Cancer Syndrome; Hereditary neoplastic syndrome; Tumor predisposition. Identifiers: Orphanet 140162, MedGen C0027672, MeSH D009386, MONDO:0015356.
Tuberous sclerosis 2 (TSC2). Identifiers: Orphanet 805, MedGen C1860707, MONDO:0013199, OMIM 613254.

Submissions (2):

Labcorp Genetics (formerly Invitae), Labcorp
Classification: Uncertain significance for Tuberous sclerosis 2. Last evaluated: 2025-10-02. Review status: criteria provided, single submitter. Criteria: Invitae Variant Classification Sherloc (09022015). Collection method: clinical testing. Allele origin: germline.
Comment: This sequence change replaces alanine, which is neutral and non-polar, with valine, which is neutral and non-polar, at codon 2 of the TSC2 protein (p.Ala2Val). This variant is not present in population databases (gnomAD no frequency). This variant has not been reported in the literature in individuals affected with TSC2-related conditions. ClinVar contains an entry for this variant (Variation ID: 852633). Invitae Evidence Modeling of protein sequence and biophysical properties (such as structural, functional, and spatial information, amino acid conservation, physicochemical variation, residue mobility, and thermodynamic stability) indicates that this missense variant is not expected to disrupt TSC2 protein function with a negative predictive value of 95%. In summary, the available evidence is currently insufficient to determine the role of this variant in disease. Therefore, it has been classified as a Variant of Uncertain Significance.

Ambry Genetics
Classification: Uncertain significance for Hereditary cancer-predisposing syndrome. Last evaluated: 2025-03-20. Review status: criteria provided, single submitter. Criteria: Ambry Variant Classification Scheme 2023. Collection method: clinical testing. Allele origin: germline.
Comment: The p.A2V variant (also known as c.5C>T), located in coding exon 1 of the TSC2 gene, results from a C to T substitution at nucleotide position 5. The alanine at codon 2 is replaced by valine, an amino acid with similar properties. This amino acid position is well conserved in available vertebrate species. In addition, the in silico prediction for this alteration is inconclusive. Based on the available evidence, the clinical significance of this variant remains unclear.